The following is an entry in ClinVar:

ClinVar aggregate classification (germline): Uncertain significance (1 of 4 stars; one submission).

Allele frequency attached by ClinVar (database versions not stated): TOPMed below 0.00001; ExAC 0.00001; gnomAD 0.00001; gnomAD exomes 0.00001.
gnomAD v4.1: 15 of 1,613,026 alleles (0.00093%); highest among the groups gnomAD compares: Non-Finnish European, 0.0012%; no homozygotes.

Submission:

Labcorp Genetics (formerly Invitae), Labcorp
Classification: Uncertain significance. Last evaluated: 2022-08-16. Review status: criteria provided, single submitter. Criteria: Invitae Variant Classification Sherloc (09022015). Collection method: clinical testing. Allele origin: germline.
Comment: This sequence change replaces arginine, which is basic and polar, with cysteine, which is neutral and slightly polar, at codon 317 of the FAT4 protein (p.Arg317Cys). This variant is present in population databases (rs775610806, gnomAD 0.0009%). This variant has not been reported in the literature in individuals affected with FAT4-related conditions. ClinVar contains an entry for this variant (Variation ID: 1486941). Advanced modeling of protein sequence and biophysical properties (such as structural, functional, and spatial information, amino acid conservation, physicochemical variation, residue mobility, and thermodynamic stability) performed at Invitae indicates that this missense variant is not expected to disrupt FAT4 protein function. In summary, the available evidence is currently insufficient to determine the role of this variant in disease. Therefore, it has been classified as a Variant of Uncertain Significance.

NM_001291303.3(FAT4):c.949C>T (p.Arg317Cys)

Gene: FAT4 (FAT atypical cadherin 4; plus strand). Cytogenetic location: 4q28.1.
Variant type: single nucleotide variant.
Coding change: c.949C>T on transcript NM_001291303.3 (MANE Select); coding-DNA position 949, C replaced by T.
Protein change: p.Arg317Cys; replaces arginine 317 with cysteine.
Molecular consequence: missense variant.
Genome position (GRCh38, 1-based): chr4:125,317,360, C>T. VCF-style: chr4-125317360-C-T. GRCh37 (hg19) VCF-style: chr4-126238515-C-T.
Other names: c.949C>T, p.Arg317Cys (NM_001291285.3, NM_024582.6); short protein forms R317C.
Identifiers: ClinVar variation 1486941 (VCV001486941.5), dbSNP rs775610806, ClinGen allele CA3071895.